The following is an entry in ClinVar:

ClinVar aggregate classification (germline): Uncertain significance (1 of 4 stars; one submission).

Conditions:
Nephronophthisis. Also called: Juvenile Nephronophthisis. Identifiers: Orphanet 655, MedGen C0687120, MONDO:0019005, HP:0000090.

Submission:

Labcorp Genetics (formerly Invitae), Labcorp
Classification: Uncertain significance for Nephronophthisis. Last evaluated: 2024-05-22. Review status: criteria provided, single submitter. Criteria: Invitae Variant Classification Sherloc (09022015). Collection method: clinical testing. Allele origin: germline.
Comment: This sequence change replaces cysteine, which is neutral and slightly polar, with glycine, which is neutral and non-polar, at codon 660 of the NPHP1 protein (p.Cys660Gly). This variant is not present in population databases (gnomAD no frequency). This variant has not been reported in the literature in individuals affected with NPHP1-related conditions. ClinVar contains an entry for this variant (Variation ID: 1507509). Advanced modeling of protein sequence and biophysical properties (such as structural, functional, and spatial information, amino acid conservation, physicochemical variation, residue mobility, and thermodynamic stability) performed at Invitae indicates that this missense variant is not expected to disrupt NPHP1 protein function with a negative predictive value of 80%. In summary, the available evidence is currently insufficient to determine the role of this variant in disease. Therefore, it has been classified as a Variant of Uncertain Significance.

NM_001128178.3(NPHP1):c.1810T>G (p.Cys604Gly)

Gene: NPHP1 (nephrocystin 1; minus strand). Cytogenetic location: 2q13.
Variant type: single nucleotide variant.
Coding change: c.1810T>G on transcript NM_001128178.3 (MANE Select); coding-DNA position 1810, T replaced by G.
Protein change: p.Cys604Gly; replaces cysteine 604 with glycine.
Molecular consequence: missense variant. On other transcripts: 3 prime UTR variant (1).
Genome position (GRCh38, 1-based): chr2:110,124,015, A>C on the plus strand (T>G on the coding strand, the complement: NPHP1 is on the minus strand). VCF-style: chr2-110124015-A-C. GRCh37 (hg19) VCF-style: chr2-110881592-A-C.
Other names: c.1978T>G, p.Cys660Gly (NM_000272.5); c.1621T>G, p.Cys541Gly (NM_001128179.3); c.1807T>G, p.Cys603Gly (NM_001374256.1); c.*52T>G (NM_001374257.1); c.1975T>G, p.Cys659Gly (NM_207181.4); short protein forms C541G, C659G, C603G, C660G, C604G.
Identifiers: ClinVar variation 1507509 (VCV001507509.6), dbSNP rs2104409598, ClinGen allele CA348086275.